The following is an entry in ClinVar:

ClinVar aggregate classification (germline): Uncertain significance. Review status: criteria provided, multiple submitters, no conflicts (2 of 4 stars). 2 submissions from 2 submitters: Uncertain significance (2). Last evaluated 2025-06-10.

Conditions:
Inborn genetic diseases. Identifiers: MedGen C0950123, MeSH D030342.
Benign neonatal seizures. Also called: Convulsions benign familial neonatal dominant form; Autosomal dominant form of benign neonatal seizures; Benign familial neonatal seizures; Benign familial neonatal epilepsy; Benign neonatal familial convulsions. Identifiers: Orphanet 1949, MedGen C0220669, MONDO:0016027.

Allele frequency attached by ClinVar (database versions not stated): gnomAD exomes below 0.00001; TOPMed below 0.00001; gnomAD 0.00001.
gnomAD v4.1: 2 of 1,614,040 alleles (0.00012%); highest among the groups gnomAD compares: East Asian, 0.0045%; no homozygotes.

Submissions (2):

Ambry Genetics
Classification: Uncertain significance for Inborn genetic diseases. Last evaluated: 2025-06-10. Review status: criteria provided, single submitter. Criteria: Ambry Variant Classification Scheme 2023. Collection method: clinical testing. Allele origin: germline.

Labcorp Genetics (formerly Invitae), Labcorp
Classification: Uncertain significance for Benign neonatal seizures. Last evaluated: 2025-02-12. Review status: criteria provided, single submitter. Criteria: Invitae Variant Classification Sherloc (09022015). Collection method: clinical testing. Allele origin: germline.
Comment: This sequence change replaces alanine, which is neutral and non-polar, with valine, which is neutral and non-polar, at codon 714 of the KCNQ3 protein (p.Ala714Val). This variant is present in population databases (no rsID available, gnomAD 0.006%). This variant has not been reported in the literature in individuals affected with KCNQ3-related conditions. ClinVar contains an entry for this variant (Variation ID: 1992253). Invitae Evidence Modeling of protein sequence and biophysical properties (such as structural, functional, and spatial information, amino acid conservation, physicochemical variation, residue mobility, and thermodynamic stability) indicates that this missense variant is not expected to disrupt KCNQ3 protein function with a negative predictive value of 95%. In summary, the available evidence is currently insufficient to determine the role of this variant in disease. Therefore, it has been classified as a Variant of Uncertain Significance.

NM_004519.4(KCNQ3):c.2141C>T (p.Ala714Val)

Gene: KCNQ3 (potassium voltage-gated channel subfamily Q member 3; minus strand). Cytogenetic location: 8q24.22.
Variant type: single nucleotide variant.
Coding change: c.2141C>T on transcript NM_004519.4 (MANE Select); coding-DNA position 2141, C replaced by T.
Protein change: p.Ala714Val; replaces alanine 714 with valine.
Molecular consequence: missense variant.
Genome position (GRCh38, 1-based): chr8:132,129,740, G>A on the plus strand (C>T on the coding strand, the complement: KCNQ3 is on the minus strand). VCF-style: chr8-132129740-G-A. GRCh37 (hg19) VCF-style: chr8-133141987-G-A.
Other names: c.2141C>T (NM_004519.3); c.1781C>T, p.Ala594Val (NM_001204824.2); short protein forms A594V, A714V.
Identifiers: ClinVar variation 1992253 (VCV001992253.5), dbSNP rs1199166185, ClinGen allele CA372216764.
Genomic context (GRCh38, chr8:132,129,740, plus strand): 5'-GGAGTTGCCTGAACCTTTCCAGAACTGGGTCCCCCTCGGGGCAGGTTCACAGGGTCATGT[G>A]CAAAAAACCCATAGGGGCTGACTTTGTCAATGGTCACCTGGTGGAAGCTGTAGGGTGGTT-3'
Protein context (NP_004510.1, residues 704-724): IDKVSPYGFF[Ala714Val]HDPVNLPRGG